The following is an entry in ClinVar:

NM_052844.4(DYNC2I2):c.955del (p.Leu319fs)

Genes: DYNC2I2 (dynein 2 intermediate chain 2; minus strand), LOC126860772 (CDK7 strongly-dependent group 2 enhancer GRCh37_chr9:131396972-131398171; plus strand). Cytogenetic location: 9q34.11.
Variant type: Deletion.
Coding change: c.955del on transcript NM_052844.4 (MANE Select); coding-DNA position 955, one base deleted (C; older notation c.955delC).
Protein change: p.Leu319fs; shifts the reading frame from leucine 319.
Molecular consequence: frameshift variant.
Genome position (GRCh38, 1-based): chr9:128,635,118, G deleted on the plus strand (C on the coding strand, the reverse complement: DYNC2I2 is on the minus strand). VCF-style (leftmost placement, unchanged base first): chr9-128635117-AG-A. GRCh37 (hg19) VCF-style: chr9-131397396-AG-A.
Other names: short protein forms L319fs.
Identifiers: ClinVar variation 2109376 (VCV002109376.4), dbSNP rs2542433072, ClinGen allele CA2580079789.

ClinVar aggregate classification (germline): Pathogenic (1 of 4 stars; one submission).

Conditions:
Short-rib thoracic dysplasia 11 with or without polydactyly (SRTD11). Also called: SHORT-RIB THORACIC DYSPLASIA 11 WITHOUT POLYDACTYLY. Identifiers: Orphanet 474, Orphanet 93271, MedGen C3810200, MONDO:0014287, OMIM 615633.

Submission:

Labcorp Genetics (formerly Invitae), Labcorp
Classification: Pathogenic for Short-rib thoracic dysplasia 11 with or without polydactyly. Last evaluated: 2022-03-11. Review status: criteria provided, single submitter. Criteria: Invitae Variant Classification Sherloc (09022015). Collection method: clinical testing. Allele origin: germline.
Comment: This sequence change creates a premature translational stop signal (p.Leu319Cysfs*80) in the WDR34 gene. It is expected to result in an absent or disrupted protein product. Loss-of-function variants in WDR34 are known to be pathogenic (PMID: 24183449, 24183451, 28379358). This variant is not present in population databases (gnomAD no frequency). This variant has not been reported in the literature in individuals affected with WDR34-related conditions. For these reasons, this variant has been classified as Pathogenic.

Literature cited by the submitters: PubMed 24183449; PubMed 24183451; PubMed 28379358.